The following is an entry in ClinVar:

NM_001297.5(CNGB1):c.3505G>A (p.Ala1169Thr)

Gene: CNGB1 (cyclic nucleotide gated channel subunit beta 1; minus strand). Cytogenetic location: 16q21.
Variant type: single nucleotide variant.
Coding change: c.3505G>A on transcript NM_001297.5 (MANE Select); coding-DNA position 3505, G replaced by A.
Protein change: p.Ala1169Thr; replaces alanine 1169 with threonine.
Molecular consequence: missense variant.
Genome position (GRCh38, 1-based): chr16:57,884,415, C>T on the plus strand (G>A on the coding strand, the complement: CNGB1 is on the minus strand). VCF-style: chr16-57884415-C-T. GRCh37 (hg19) VCF-style: chr16-57918319-C-T.
Other names: c.3487G>A, p.Ala1163Thr (NM_001286130.2); short protein forms A1163T, A1169T.
Identifiers: ClinVar variation 1000446 (VCV001000446.5), dbSNP rs780554214, ClinGen allele CA8082525.

ClinVar aggregate classification (germline): Uncertain significance. Review status: criteria provided, multiple submitters, no conflicts (2 of 4 stars). 2 submissions from 2 submitters: Uncertain significance (2). Last evaluated 2024-01-19.

Allele frequency attached by ClinVar (database versions not stated): gnomAD exomes 0.00001 and 0.00002; ExAC 0.00002; TOPMed 0.00013.
gnomAD v4.1: 17 of 1,613,350 alleles (0.0011%); highest among the groups gnomAD compares: African/African-American, 0.015%; no homozygotes.

Submissions (2):

Labcorp Genetics (formerly Invitae), Labcorp
Classification: Uncertain significance. Last evaluated: 2024-01-19. Review status: criteria provided, single submitter. Criteria: Invitae Variant Classification Sherloc (09022015). Collection method: clinical testing. Allele origin: germline.
Comment: This sequence change replaces alanine, which is neutral and non-polar, with threonine, which is neutral and polar, at codon 1169 of the CNGB1 protein (p.Ala1169Thr). The frequency data for this variant in the population databases is considered unreliable, as metrics indicate poor data quality at this position in the gnomAD database. This variant has not been reported in the literature in individuals affected with CNGB1-related conditions. ClinVar contains an entry for this variant (Variation ID: 1000446). Advanced modeling of protein sequence and biophysical properties (such as structural, functional, and spatial information, amino acid conservation, physicochemical variation, residue mobility, and thermodynamic stability) performed at Invitae indicates that this missense variant is not expected to disrupt CNGB1 protein function with a negative predictive value of 95%. In summary, the available evidence is currently insufficient to determine the role of this variant in disease. Therefore, it has been classified as a Variant of Uncertain Significance.

Blueprint Genetics
Classification: Uncertain significance. Last evaluated: 2021-12-14. Review status: criteria provided, single submitter. Criteria: ACMG Guidelines, 2015. Collection method: clinical testing. Allele origin: germline.